The following is an entry in ClinVar:

ClinVar aggregate classification (germline): Likely benign. Review status: criteria provided, multiple submitters, no conflicts (2 of 4 stars). 2 submissions from 2 submitters: Likely benign (2). Last evaluated 2016-03-28.

Allele frequency attached by ClinVar (database versions not stated): 1000 Genomes Project 30x 0.00968; ESP Exome Variant Server 0.01840; ExAC 0.02657.
gnomAD v4.1: 39,779 of 1,600,006 alleles (2.5%); highest among the groups gnomAD compares: Non-Finnish European, 2.8%; no homozygotes.

Submissions (2):

Laboratory for Molecular Medicine, Mass General Brigham Personalized Medicine
Classification: Likely benign. Last evaluated: 2016-03-28. Review status: criteria provided, single submitter. Criteria: LMM Criteria. Collection method: clinical testing. Allele origin: germline.
Comment: Variant identified in a genome or exome case(s) and assessed due to predicted null impact of the variant or pathogenic assertions in the literature or databases. Disclaimer: This variant has not undergone full assessment. The following are preliminary notes: Frequency

Breakthrough Genomics
Classification: Likely benign. Review status: criteria provided, single submitter. Criteria: ACMG Guidelines, 2015. Collection method: not provided. Allele origin: germline. Inheritance: Autosomal dominant inheritance. Affected: yes.

NM_002458.3(MUC5B):c.13124C>T (p.Ala4375Val)

Gene: MUC5B (mucin 5B, oligomeric mucus/gel-forming; plus strand). Cytogenetic location: 11p15.5.
Variant type: single nucleotide variant.
Coding change: c.13124C>T on transcript NM_002458.3 (MANE Select); coding-DNA position 13124, C replaced by T.
Protein change: p.Ala4375Val; replaces alanine 4375 with valine.
Molecular consequence: missense variant.
Genome position (GRCh38, 1-based): chr11:1,250,004, C>T. VCF-style: chr11-1250004-C-T. GRCh37 (hg19) VCF-style: chr11-1271234-C-T.
Other names: short protein forms A4375V.
Identifiers: ClinVar variation 403191 (VCV000403191.5), dbSNP rs201748966, ClinGen allele CA5808211.
Genomic context (GRCh38, chr11:1,250,004, plus strand): 5'-CCACTCCGGAGACCACCCACACCTCCACAGTGCTGACCACGAAGGCCACCACGACAAGGG[C>T]CACCAGTTCCACGTCCACCCCCTCCTCCACTCCGGGGACGACCTGGATCCTCACAGAGCT-3'
Protein context (NP_002449.2, residues 4365-4385): VLTTKATTTR[Ala4375Val]TSSTSTPSST